The following is an entry in ClinVar:

NM_001130987.2(DYSF):c.2409+1G>A

Gene: DYSF (dysferlin; plus strand). Cytogenetic location: 2p13.2.
Variant type: single nucleotide variant.
Coding change: c.2409+1G>A on transcript NM_001130987.2 (MANE Select); the canonical splice donor site of the intron after coding-DNA position 2409, G replaced by A.
Molecular consequence: splice donor variant.
Genome position (GRCh38, 1-based): chr2:71,561,945, G>A. VCF-style: chr2-71561945-G-A. GRCh37 (hg19) VCF-style: chr2-71789075-G-A.
Other names: c.2448+1G>A (NM_001130979.2); c.2406+1G>A (NM_001130981.2, NM_001130980.2); c.2355+1G>A (NM_001130978.2, NM_003494.4); c.2313+1G>A (NM_001130977.2, NM_001130976.2); c.2451+1G>A (NM_001130982.2); c.2409+1G>A (NM_001130985.2); c.2358+1G>A (NM_001130983.2, NM_001130455.2); c.2316+1G>A (NM_001130984.2, NM_001130986.2).
Identifiers: ClinVar variation 282771 (VCV000282771.18), dbSNP rs151317754, ClinGen allele CA10604289.
Genomic context (GRCh38, chr2:71,561,945, plus strand): 5'-CCTGCAGCTCTGGAGCAGGCGGAGGACTGGCTCCTGCGTCTGCGTGCCCTGGCAGAGGAG[G>A]TAATTAAGCCTGGGGGTGCCTTTCTTCTTCTGCTCTCCTGCTGCCTGGAACATCAGAACT-3'

ClinVar aggregate classification (germline): Pathogenic. Review status: criteria provided, multiple submitters, no conflicts (2 of 4 stars). 6 submissions from 6 submitters: Pathogenic (5). 1 of the submissions does not count toward it. Last evaluated 2025-07-07.

Conditions:
Autosomal recessive limb-girdle muscular dystrophy. Identifiers: Orphanet 102015, MedGen C2931907, MONDO:0015152.
Miyoshi muscular dystrophy 1 (MMD1). Identifiers: Orphanet 45448, MedGen C4551973, MONDO:0024545, OMIM 254130.
Neuromuscular disease caused by qualitative or quantitative defects of dysferlin. Also called: Qualitative or quantitative defects of dysferlin; Dysferlinopathy. Identifiers: Orphanet 207073, MedGen C2931687, MONDO:0016145.
Autosomal recessive limb-girdle muscular dystrophy type 2B (LGMDR2). Also called: Limb-Girdle Muscular Dystrophy Type 2B (LGMD2B); Limb-girdle muscular dystrophy, type 2B; MUSCULAR DYSTROPHY, LIMB-GIRDLE, AUTOSOMAL RECESSIVE 2; MUSCULAR DYSTROPHY, LIMB-GIRDLE, TYPE 3. Identifiers: Orphanet 268, MedGen C1850889, MONDO:0009676, OMIM 253601.

Allele frequency attached by ClinVar (database versions not stated): gnomAD exomes below 0.00001; gnomAD 0.00001; TOPMed 0.00001; ESP Exome Variant Server 0.00008.
gnomAD v4.1: 3 of 1,613,232 alleles (0.00019%); highest among the groups gnomAD compares: African/African-American, 0.0027%; no homozygotes.

Submissions (6):

Labcorp Genetics (formerly Invitae), Labcorp
Classification: Pathogenic for Neuromuscular disease caused by qualitative or quantitative defects of dysferlin. Last evaluated: 2025-07-07. Review status: criteria provided, single submitter. Criteria: Invitae Variant Classification Sherloc (09022015). Collection method: clinical testing. Allele origin: germline.
Comment: This sequence change affects a donor splice site in intron 23 of the DYSF gene. It is expected to disrupt RNA splicing. Variants that disrupt the donor or acceptor splice site typically lead to a loss of protein function (PMID: 16199547), and loss-of-function variants in DYSF are known to be pathogenic (PMID: 17698709, 20301480). This variant is present in population databases (rs151317754, gnomAD 0.003%). Disruption of this splice site has been observed in individual(s) with DYSF-related conditions (PMID: 33927379). ClinVar contains an entry for this variant (Variation ID: 282771). Algorithms developed to predict the effect of sequence changes on RNA splicing suggest that this variant may disrupt the consensus splice site. For these reasons, this variant has been classified as Pathogenic.

Natera, Inc.
Classification: Pathogenic for Limb-girdle muscular dystrophy type 2B. Last evaluated: 2025-03-25. Review status: criteria provided, single submitter. Criteria: Natera Variant Classification Schema (03/2026). Collection method: clinical testing. Allele origin: germline.
Comment: The c.2355+1G>A variant in DYSF is a canonical splice donor site variant predicted to affect pre-mRNA splicing, which may result in an abnormal transcript and altered protein product. This variant is expected to result in nonsense mediated decay, truncation, or a dysfunctional protein product. This variant is rare in the general population with a frequency below the threshold expected for the associated phenotype(s). This variant has been observed in one or more individuals affected with the associated recessive disease, as either homozygous or compound heterozygous with a second variant (PMID: 33927379). Given the available evidence, this variant is classified as Pathogenic.

Myriad Genetics, Inc.
Classification: Pathogenic for Autosomal recessive limb-girdle muscular dystrophy. Last evaluated: 2025-02-24. Review status: criteria provided, single submitter. Criteria: Myriad Autosomal Dominant, Autosomal Recessive and X-Linked Classification Criteria (2023). Collection method: clinical testing. Allele origin: unknown.
Comment: NM_003494.3(DYSF):c.2355+1G>A is a variant in a canonical splice site classified as pathogenic in the context of dysferlinopathy. c.2355+1G>A has been observed in cases with relevant disease (PMID: 33927379). Relevant functional assessments of this variant are not available in the literature. c.2355+1G>A has been observed in referenced population frequency databases. In summary, NM_003494.3(DYSF):c.2355+1G>A is a variant in a canonical splice site in a gene where loss of function is a known mechanism of disease, is predicted to disrupt protein function, and has been observed more frequently in cases with the relevant disease than in healthy populations. Please note: this variant was assessed in the context of healthy population screening.

Baylor Genetics
Classification: Pathogenic for Miyoshi muscular dystrophy 1. Last evaluated: 2023-06-13. Review status: criteria provided, single submitter. Criteria: ACMG Guidelines, 2015. Collection method: clinical testing. Allele origin: unknown.

Eurofins Ntd Llc (ga)
Classification: Pathogenic. Last evaluated: 2015-08-17. Review status: criteria provided, single submitter. Criteria: EGL Classification Definitions 2015. Collection method: clinical testing. Allele origin: germline. Observed: 1 variant allele, 1 heterozygote.

Counsyl
Classification: Likely pathogenic for Autosomal recessive limb-girdle muscular dystrophy type 2B. Last evaluated: 2017-03-29. Review status: no assertion criteria provided. Collection method: clinical testing. Allele origin: unknown. Not counted in ClinVar's aggregate classification.

Literature cited by the submitters: PubMed 16199547 (cited by Labcorp Genetics (formerly Invitae), Labcorp); PubMed 17698709 (cited by Labcorp Genetics (formerly Invitae), Labcorp); PubMed 20301480 (cited by Labcorp Genetics (formerly Invitae), Labcorp); PubMed 33927379 (cited by 3 submitters).